The following is an entry in ClinVar:

NM_016507.4(CDK12):c.4228T>C (p.Leu1410=)

Gene: CDK12 (cyclin dependent kinase 12; plus strand). Cytogenetic location: 17q12.
Variant type: single nucleotide variant.
Coding change: c.4228T>C on transcript NM_016507.4 (MANE Select); coding-DNA position 4228, T replaced by C.
Protein change: p.Leu1410=; no amino-acid change (leucine 1410 retained).
Molecular consequence: synonymous variant.
Genome position (GRCh38, 1-based): chr17:39,531,071, T>C. VCF-style: chr17-39531071-T-C. GRCh37 (hg19) VCF-style: chr17-37687324-T-C.
Other names: c.4201T>C, p.Leu1401= (NM_015083.4).
Identifiers: ClinVar variation 3489170 (VCV003489170.2).

ClinVar aggregate classification (germline): Likely benign. Review status: criteria provided, multiple submitters, no conflicts (2 of 4 stars). 2 submissions from 2 submitters: Likely benign (2). Last evaluated 2026-08-01.

gnomAD v4.1: 315 of 1,609,710 alleles (0.02%); highest among the groups gnomAD compares: Non-Finnish European, 0.025%; no homozygotes.

Submissions (2):

CeGaT Center for Human Genetics Tuebingen
Classification: Likely benign. Last evaluated: 2026-08-01. Review status: criteria provided, single submitter. Criteria: CeGaT Center For Human Genetics Tuebingen Variant Classification Criteria Version 2. Collection method: clinical testing. Allele origin: germline. Affected: yes. Observed: 1 variant allele.
Comment: CDK12: BP4, BP7

Ambry Genetics
Classification: Likely benign. Last evaluated: 2024-10-05. Review status: criteria provided, single submitter. Criteria: Ambry Variant Classification Scheme 2023. Collection method: clinical testing. Allele origin: germline.